The following is an entry in ClinVar:

ClinVar aggregate classification (germline): Uncertain significance. Review status: criteria provided, multiple submitters, no conflicts (2 of 4 stars). 2 submissions from 2 submitters: Uncertain significance (2). Last evaluated 2025-10-14.

Conditions:
Cardiovascular phenotype. Identifiers: MedGen CN230736.
Desmin-related myofibrillar myopathy (MFM1). Also called: Desminopathy; MYOFIBRILLAR MYOPATHY WITH ARRHYTHMOGENIC RIGHT VENTRICULAR CARDIOMYOPATHY; DESMIN-RELATED MYOPATHY WITH ARRHYTHMOGENIC RIGHT VENTRICULAR CARDIOMYOPATHY; Desmin related myopathy (former name); Desmin storage myopathy (former name); Myofibrillar myopathy 1. Identifiers: Orphanet 363543, Orphanet 98909, MedGen C1832370, MONDO:0011076, OMIM 601419.

Allele frequency attached by ClinVar (database versions not stated): gnomAD 0.00001; TOPMed 0.00001; gnomAD exomes 0.00003; ExAC 0.00004.
gnomAD v4.1: 21 of 1,614,094 alleles (0.0013%); highest among the groups gnomAD compares: East Asian, 0.045%; no homozygotes.

Submissions (2):

Ambry Genetics
Classification: Uncertain significance for Cardiovascular phenotype. Last evaluated: 2025-10-14. Review status: criteria provided, single submitter. Criteria: Ambry Variant Classification Scheme 2023. Collection method: clinical testing. Allele origin: germline.
Comment: The p.R228I variant (also known as c.683G>T), located in coding exon 3 of the DES gene, results from a G to T substitution at nucleotide position 683. The arginine at codon 228 is replaced by isoleucine, an amino acid with similar properties. This variant was reported in individual(s) with features consistent with dysrhythmia (Oshima Y et al. J Hum Genet, 2017 Nov;62:989-995). This amino acid position is well conserved in available vertebrate species. In addition, this alteration is predicted to be deleterious by in silico analysis. Based on the available evidence, the clinical significance of this variant remains unclear.

Labcorp Genetics (formerly Invitae), Labcorp
Classification: Uncertain significance for Desmin-related myofibrillar myopathy. Last evaluated: 2025-10-13. Review status: criteria provided, single submitter. Criteria: Invitae Variant Classification Sherloc (09022015). Collection method: clinical testing. Allele origin: germline.
Comment: This sequence change replaces arginine, which is basic and polar, with isoleucine, which is neutral and non-polar, at codon 228 of the DES protein (p.Arg228Ile). This variant is present in population databases (rs754350026, gnomAD 0.03%). This variant has not been reported in the literature in individuals affected with DES-related conditions. ClinVar contains an entry for this variant (Variation ID: 2922548). Invitae Evidence Modeling of protein sequence and biophysical properties (such as structural, functional, and spatial information, amino acid conservation, physicochemical variation, residue mobility, and thermodynamic stability) indicates that this missense variant is expected to disrupt DES protein function with a positive predictive value of 95%. In summary, the available evidence is currently insufficient to determine the role of this variant in disease. Therefore, it has been classified as a Variant of Uncertain Significance.

Literature cited by the submitters: PubMed 28747690 (cited by Ambry Genetics).

NM_001927.4(DES):c.683G>T (p.Arg228Ile)

Gene: DES (desmin; plus strand). Cytogenetic location: 2q35.
Variant type: single nucleotide variant.
Coding change: c.683G>T on transcript NM_001927.4 (MANE Select); coding-DNA position 683, G replaced by T.
Protein change: p.Arg228Ile; replaces arginine 228 with isoleucine.
Molecular consequence: missense variant. On other transcripts: intron variant (1).
Genome position (GRCh38, 1-based): chr2:219,420,294, G>T. VCF-style: chr2-219420294-G-T. GRCh37 (hg19) VCF-style: chr2-220285016-G-T.
Other names: c.680G>T, p.Arg227Ile (NM_001382708.1); c.683G>T, p.Arg228Ile (NM_001382709.1, NM_001382710.1, NM_001382711.1 and 1 more transcripts); c.496-231G>T (NM_001382713.1); short protein forms R227I, R228I.
Identifiers: ClinVar variation 2922548 (VCV002922548.3), dbSNP rs754350026, ClinGen allele CA2125127.